The following is an entry in ClinVar:

NM_001377229.1(DISP1):c.817G>T (p.Asp273Tyr)

Gene: DISP1 (dispatched RND transporter family member 1; plus strand). Cytogenetic location: 1q41.
Variant type: single nucleotide variant.
Coding change: c.817G>T on transcript NM_001377229.1 (MANE Select); coding-DNA position 817, G replaced by T.
Protein change: p.Asp273Tyr; replaces aspartic acid 273 with tyrosine.
Molecular consequence: missense variant.
Genome position (GRCh38, 1-based): chr1:222,992,038, G>T. VCF-style: chr1-222992038-G-T. GRCh37 (hg19) VCF-style: chr1-223165380-G-T.
Other names: c.88G>T, p.Asp30Tyr (NM_001350630.2); c.817G>T, p.Asp273Tyr (NM_001369594.1, NM_001377228.1, NM_032890.5); short protein forms D273Y, D30Y.
Identifiers: ClinVar variation 4888133 (VCV004888133.1).

ClinVar aggregate classification (germline): Uncertain significance (1 of 4 stars; one submission).

gnomAD v4.1: 1 of 1,613,842 alleles (0.000062%); highest among the groups gnomAD compares: Non-Finnish European, 0.000085%; no homozygotes.

Submission:

GeneDx
Classification: Uncertain significance. Last evaluated: 2022-04-05. Review status: criteria provided, single submitter. Criteria: GeneDx Variant Classification Process June 2021. Collection method: clinical testing. Allele origin: germline.
Comment: Not observed at significant frequency in large population cohorts (gnomAD); In silico analysis supports that this missense variant does not alter protein structure/function; Has not been previously published as pathogenic or benign to our knowledge; Variants in candidate genes are classified as variants of uncertain significance in accordance with ACMG guidelines (Richards et al., 2015)